The following is an entry in ClinVar:

NM_152641.4(ARID2):c.2585T>G (p.Val862Gly)

Gene: ARID2 (AT-rich interaction domain 2; plus strand). Cytogenetic location: 12q12.
Variant type: single nucleotide variant.
Coding change: c.2585T>G on transcript NM_152641.4 (MANE Select); coding-DNA position 2585, T replaced by G.
Protein change: p.Val862Gly; replaces valine 862 with glycine.
Molecular consequence: missense variant.
Genome position (GRCh38, 1-based): chr12:45,850,708, T>G. VCF-style: chr12-45850708-T-G. GRCh37 (hg19) VCF-style: chr12-46244491-T-G.
Other names: c.2585T>G, p.Val862Gly (NM_001347839.2); short protein forms V862G.
Identifiers: ClinVar variation 3772400 (VCV003772400.13).

ClinVar aggregate classification (germline): Uncertain significance (1 of 4 stars; one submission).

Submission:

CeGaT Center for Human Genetics Tuebingen
Classification: Uncertain significance. Last evaluated: 2025-02-01. Review status: criteria provided, single submitter. Criteria: CeGaT Center For Human Genetics Tuebingen Variant Classification Criteria Version 2. Collection method: clinical testing. Allele origin: germline. Affected: yes. Observed: 1 variant allele.
Comment: ARID2: PM2